The following is an entry in ClinVar:

NM_001374736.1(DST):c.12907T>C (p.Leu4303=)

Gene: DST (dystonin; minus strand). Cytogenetic location: 6p12.1.
Variant type: single nucleotide variant.
Coding change: c.12907T>C on transcript NM_001374736.1 (MANE Select); coding-DNA position 12907, T replaced by C.
Protein change: p.Leu4303=; no amino-acid change (leucine 4303 retained).
Molecular consequence: synonymous variant.
Genome position (GRCh38, 1-based): chr6:56,578,934, A>G on the plus strand (T>C on the coding strand, the complement: DST is on the minus strand). VCF-style: chr6-56578934-A-G. GRCh37 (hg19) VCF-style: chr6-56443732-A-G.
Other names: c.6550T>C (NM_001144769.2); c.6550T>C, p.Leu2184= (NM_001144769.5); c.6136T>C, p.Leu2046= (NM_001144770.2); c.12907T>C, p.Leu4303= (NM_001374722.1); c.12274T>C, p.Leu4092= (NM_001374729.1); c.6016T>C, p.Leu2006= (NM_001374730.1, NM_001386100.1, NM_183380.4); c.12934T>C, p.Leu4312= (NM_001374734.1); c.5038T>C, p.Leu1680= (NM_015548.5).
Identifiers: ClinVar variation 1077318 (VCV001077318.10), dbSNP rs187952313, ClinGen allele CA3868337.
Genomic context (GRCh38, chr6:56,578,934, plus strand): 5'-CTTCAGCCGTTTTCTTCAGTTTCTCTACAGCAACCTGCTGACTTGATATCTGTCCTTGCA[A>G]AGCCTGTAGGATTAAACGCTTTTCAATTATACTCAGCAGGACTAAATAATAGATTTCTAA-3'
Protein context (NP_001361665.1, residues 4293-4313): LQRQLEETKA[Leu4303=]QGQISSQQVA

ClinVar aggregate classification (germline): Likely benign. Review status: criteria provided, multiple submitters, no conflicts (2 of 4 stars). 2 submissions from 2 submitters: Likely benign (2). Last evaluated 2025-02-28.

Conditions:
DST-related disorder. Also called: DST-related condition; DST-related disorders.
Hereditary sensory and autonomic neuropathy type 6. Also called: HSAN VI; Neuropathy, hereditary sensory and autonomic, type VI. Identifiers: Orphanet 314381, MedGen C3539003, MONDO:0013839, OMIM 614653.
Epidermolysis bullosa simplex 3, localized or generalized intermediate, with BP230 deficiency (EBS3). Also called: Epidermolysis bullosa simplex, autosomal recessive 2; Epidermolysis bullosa simplex due to BP230 deficiency. Identifiers: Orphanet 412181, MedGen C3809470, MONDO:0014180, OMIM 615425.

Allele frequency attached by ClinVar (database versions not stated): gnomAD exomes 0.00002 and 0.00013; gnomAD 0.00012 and 0.00017; TOPMed 0.00013; ESP Exome Variant Server 0.00017; ExAC 0.00025; 1000 Genomes Project 0.00120; 1000 Genomes Project 30x 0.00125.
gnomAD v4.1: 48 of 1,591,998 alleles (0.003%); highest among the groups gnomAD compares: African/African-American, 0.041%; 1 homozygote.

Submissions (2):

PreventionGenetics, part of Exact Sciences
Classification: Likely benign for DST-related condition. Last evaluated: 2025-02-28. Review status: criteria provided, single submitter. Criteria: ACMG Guidelines, 2015. Collection method: clinical testing. Allele origin: germline.
Comment: This variant is classified as likely benign based on ACMG/AMP sequence variant interpretation guidelines (Richards et al. 2015 PMID: 25741868, with internal and published modifications).

Labcorp Genetics (formerly Invitae), Labcorp
Classification: Likely benign for Epidermolysis bullosa simplex 3, localized or generalized intermediate, with BP230 deficiency; Hereditary sensory and autonomic neuropathy type 6. Last evaluated: 2025-02-24. Review status: criteria provided, single submitter. Criteria: Invitae Variant Classification Sherloc (09022015). Collection method: clinical testing. Allele origin: germline.